The following is an entry in ClinVar:

ClinVar aggregate classification (germline): Likely pathogenic (1 of 4 stars; one submission).

Conditions:
Glycine encephalopathy. Also called: Nonketotic hyperglycinemia; Non-ketotic hyperglycinemia. Identifiers: Orphanet 407, MedGen C0751748, MONDO:0011612, HP:0008288.

Submission:

Labcorp Genetics (formerly Invitae), Labcorp
Classification: Likely pathogenic for Glycine encephalopathy. Last evaluated: 2024-07-31. Review status: criteria provided, single submitter. Criteria: Invitae Variant Classification Sherloc (09022015). Collection method: clinical testing. Allele origin: germline.
Comment: This sequence change affects a donor splice site in intron 1 of the GLDC gene. It is expected to disrupt RNA splicing. Variants that disrupt the donor or acceptor splice site typically lead to a loss of protein function (PMID: 16199547), and loss-of-function variants in GLDC are known to be pathogenic (PMID: 16601880). This variant is not present in population databases (gnomAD no frequency). This variant has not been reported in the literature in individuals affected with GLDC-related conditions. Algorithms developed to predict the effect of sequence changes on RNA splicing suggest that this variant may disrupt the consensus splice site. In summary, the currently available evidence indicates that the variant is pathogenic, but additional data are needed to prove that conclusively. Therefore, this variant has been classified as Likely Pathogenic.

Literature cited by the submitters: PubMed 16199547; PubMed 16601880.

NM_000170.3(GLDC):c.255+2T>C

Gene: GLDC (glycine decarboxylase; minus strand). Cytogenetic location: 9p24.1.
Variant type: single nucleotide variant.
Coding change: c.255+2T>C on transcript NM_000170.3 (MANE Select); the canonical splice donor site of the intron after coding-DNA position 255, T replaced by C.
Molecular consequence: splice donor variant.
Genome position (GRCh38, 1-based): chr9:6,645,243, A>G on the plus strand (T>C on the coding strand, the complement: GLDC is on the minus strand). VCF-style: chr9-6645243-A-G. GRCh37 (hg19) VCF-style: chr9-6645243-A-G.
Identifiers: ClinVar variation 3661084 (VCV003661084.2).